The following is an entry in ClinVar:

NM_000051.4(ATM):c.722A>G (p.Lys241Arg)

Gene: ATM (ATM serine/threonine kinase; plus strand). Cytogenetic location: 11q22.3.
Variant type: single nucleotide variant.
Coding change: c.722A>G on transcript NM_000051.4 (MANE Select); coding-DNA position 722, A replaced by G.
Protein change: p.Lys241Arg; replaces lysine 241 with arginine.
Molecular consequence: missense variant.
Genome position (GRCh38, 1-based): chr11:108,244,847, A>G. VCF-style: chr11-108244847-A-G. GRCh37 (hg19) VCF-style: chr11-108115574-A-G.
Other names: c.722A>G, p.Lys241Arg (NM_001351834.2); short protein forms K241R.
Identifiers: ClinVar variation 574923 (VCV000574923.8), dbSNP rs1021907990, ClinGen allele CA228384704.

ClinVar aggregate classification (germline): Uncertain significance (1 of 4 stars; one submission).

Conditions:
Ataxia-telangiectasia syndrome (AT). Also called: AT, COMPLEMENTATION GROUP C; Cerebello-oculocutaneous telangiectasia; Immunodeficiency with ataxia telangiectasia; Ataxia-telangiectasia, complementation group D; ATAXIA-TELANGIECTASIA, FRESNO VARIANT; Ataxia-telangiectasia, complementation group E. Identifiers: Orphanet 100, MedGen C0004135, MONDO:0008840, OMIM 208900.

Allele frequency attached by ClinVar (database versions not stated): gnomAD exomes below 0.00001; TOPMed below 0.00001; gnomAD 0.00001.
gnomAD v4.1: 2 of 1,613,830 alleles (0.00012%); highest among the groups gnomAD compares: African/African-American, 0.0013%; no homozygotes.

Submission:

Labcorp Genetics (formerly Invitae), Labcorp
Classification: Uncertain significance for Ataxia-telangiectasia syndrome. Last evaluated: 2018-04-20. Review status: criteria provided, single submitter. Criteria: Invitae Variant Classification Sherloc (09022015). Collection method: clinical testing. Allele origin: germline.
Comment: This sequence change replaces lysine with arginine at codon 241 of the ATM protein (p.Lys241Arg). The lysine residue is moderately conserved and there is a small physicochemical difference between lysine and arginine. This variant is not present in population databases (ExAC no frequency). This variant has not been reported in the literature in individuals with ATM-related disease. Algorithms developed to predict the effect of missense changes on protein structure and function output the following: SIFT: "Tolerated"; PolyPhen-2: "Benign"; Align-GVGD: "Class C0". The arginine amino acid residue is found in multiple mammalian species, suggesting that this missense change does not adversely affect protein function. These predictions have not been confirmed by published functional studies and their clinical significance is uncertain. Algorithms developed to predict the effect of sequence changes on RNA splicing suggest that this variant may create or strengthen a splice site, but this prediction has not been confirmed by published transcriptional studies. In summary, the available evidence is currently insufficient to determine the role of this variant in disease. Therefore, it has been classified as a Variant of Uncertain Significance.